The following is an entry in ClinVar:

NM_001318852.2(MAPK8IP3):c.2223C>G (p.Cys741Trp)

Gene: MAPK8IP3 (mitogen-activated protein kinase 8 interacting protein 3; plus strand). Cytogenetic location: 16p13.3.
Variant type: single nucleotide variant.
Coding change: c.2223C>G on transcript NM_001318852.2 (MANE Select); coding-DNA position 2223, C replaced by G.
Protein change: p.Cys741Trp; replaces cysteine 741 with tryptophan.
Molecular consequence: missense variant.
Genome position (GRCh38, 1-based): chr16:1,764,402, C>G. VCF-style: chr16-1764402-C-G. GRCh37 (hg19) VCF-style: chr16-1814403-C-G.
Other names: c.2202C>G, p.Cys734Trp (NM_001040439.2); c.2220C>G, p.Cys740Trp (NM_015133.5); short protein forms C734W, C740W, C741W.
Identifiers: ClinVar variation 4756064 (VCV004756064.1).

ClinVar aggregate classification (germline): Uncertain significance (1 of 4 stars; one submission).

gnomAD v4.1: 1 of 1,602,900 alleles (0.000062%); highest among the groups gnomAD compares: Non-Finnish European, 0.000085%; no homozygotes.

Submission:

GeneDx
Classification: Uncertain significance. Last evaluated: 2025-08-06. Review status: criteria provided, single submitter. Criteria: GeneDx Variant Classification Process June 2021. Collection method: clinical testing. Allele origin: germline. Affected: yes.
Comment: Not observed at significant frequency in large population cohorts (gnomAD); In silico analysis suggests that this missense variant does not alter protein structure/function; Has not been previously published as pathogenic or benign to our knowledge